The following is an entry in ClinVar:

ClinVar aggregate classification (germline): Uncertain significance (1 of 4 stars; one submission).

Allele frequency attached by ClinVar (database versions not stated): TOPMed 0.00002.
gnomAD v4.1: 2 of 1,613,784 alleles (0.00012%); highest among the groups gnomAD compares: South Asian, 0.0011%; no homozygotes.

Submission:

Labcorp Genetics (formerly Invitae), Labcorp
Classification: Uncertain significance. Last evaluated: 2023-07-17. Review status: criteria provided, single submitter. Criteria: Invitae Variant Classification Sherloc (09022015). Collection method: clinical testing. Allele origin: germline.
Comment: In summary, the available evidence is currently insufficient to determine the role of this variant in disease. Therefore, it has been classified as a Variant of Uncertain Significance. Advanced modeling of protein sequence and biophysical properties (such as structural, functional, and spatial information, amino acid conservation, physicochemical variation, residue mobility, and thermodynamic stability) performed at Invitae indicates that this missense variant is expected to disrupt DMRT1 protein function. This variant has not been reported in the literature in individuals affected with DMRT1-related conditions. This variant is present in population databases (no rsID available, gnomAD 0.006%). This sequence change replaces serine, which is neutral and polar, with cysteine, which is neutral and slightly polar, at codon 328 of the DMRT1 protein (p.Ser328Cys).

NM_021951.3(DMRT1):c.982A>T (p.Ser328Cys)

Gene: DMRT1 (doublesex and mab-3 related transcription factor 1; plus strand). Cytogenetic location: 9p24.3.
Variant type: single nucleotide variant.
Coding change: c.982A>T on transcript NM_021951.3 (MANE Select); coding-DNA position 982, A replaced by T.
Protein change: p.Ser328Cys; replaces serine 328 with cysteine.
Molecular consequence: missense variant.
Genome position (GRCh38, 1-based): chr9:967,999, A>T. VCF-style: chr9-967999-A-T. GRCh37 (hg19) VCF-style: chr9-967999-A-T.
Other names: c.508A>T, p.Ser170Cys (NM_001363767.1); short protein forms S328C, S170C.
Identifiers: ClinVar variation 2777658 (VCV002777658.3), dbSNP rs1410631980, ClinGen allele CA372775245.